The following is an entry in ClinVar:

NM_000400.4(ERCC2):c.1475C>G (p.Pro492Arg)

Gene: ERCC2 (ERCC excision repair 2, TFIIH core complex helicase subunit; minus strand). Cytogenetic location: 19q13.32.
Variant type: single nucleotide variant.
Coding change: c.1475C>G on transcript NM_000400.4 (MANE Select); coding-DNA position 1475, C replaced by G.
Protein change: p.Pro492Arg; replaces proline 492 with arginine.
Molecular consequence: missense variant.
Genome position (GRCh38, 1-based): chr19:45,357,274, G>C on the plus strand (C>G on the coding strand, the complement: ERCC2 is on the minus strand). VCF-style: chr19-45357274-G-C. GRCh37 (hg19) VCF-style: chr19-45860532-G-C.
Other names: short protein forms P492R.
Identifiers: ClinVar variation 3231646 (VCV003231646.1), dbSNP rs2514012191, ClinGen allele CA406366926.
Genomic context (GRCh38, chr19:45,357,274, plus strand): 5'-GCGGCCCCTTGCCCCCATCTCCCCTCCCGGCCCCAGCCCTAGCCTCTCCCACTCACCATA[G>C]GGCAGAGGCAGACCCGTGCCAGCGTCATGGTGAAGGTTGCCATGGTGACGGGGTGGAAGT-3'
Protein context (NP_000391.1, residues 482-502): TMTLARVCLC[Pro492Arg]MIIGRGNDQV

ClinVar aggregate classification (germline): Uncertain significance (1 of 4 stars; one submission).

Conditions:
Inborn genetic diseases. Identifiers: MedGen C0950123, MeSH D030342.

Submission:

Ambry Genetics
Classification: Uncertain significance for Inborn genetic diseases. Last evaluated: 2024-01-09. Review status: criteria provided, single submitter. Criteria: Ambry Variant Classification Scheme 2023. Collection method: clinical testing. Allele origin: germline.
Comment: The p.P492R variant (also known as c.1475C>G), located in coding exon 15 of the ERCC2 gene, results from a C to G substitution at nucleotide position 1475. The proline at codon 492 is replaced by arginine, an amino acid with dissimilar properties. This amino acid position is conserved. In addition, this alteration is predicted to be deleterious by in silico analysis. Since supporting evidence is limited at this time, the clinical significance of this alteration remains unclear.